The following is an entry in ClinVar:

ClinVar aggregate classification (germline): Uncertain significance. Review status: criteria provided, multiple submitters, no conflicts (2 of 4 stars). 2 submissions from 2 submitters: Uncertain significance (2). Last evaluated 2025-08-19.

Conditions:
Combined oxidative phosphorylation defect type 27. Also called: Combined oxidative phosphorylation deficiency 27. Identifiers: Orphanet 477774, MedGen C5567608, MONDO:0014728, OMIM 616672.

Allele frequency attached by ClinVar (database versions not stated): gnomAD 0.00001; gnomAD exomes 0.00001; TOPMed 0.00001.
gnomAD v4.1: 5 of 1,435,876 alleles (0.00035%); highest among the groups gnomAD compares: Admixed American, 0.0027%; no homozygotes.

Submissions (2):

Mayo Clinic Laboratories, Mayo Clinic
Classification: Uncertain significance. Last evaluated: 2025-08-19. Review status: criteria provided, single submitter. Criteria: ACMG Guidelines, 2015. Collection method: clinical testing. Allele origin: germline. Observed: 1 variant allele.
Comment: BP4_moderate, PM2_supporting

Labcorp Genetics (formerly Invitae), Labcorp
Classification: Uncertain significance for Combined oxidative phosphorylation defect type 27. Last evaluated: 2024-02-17. Review status: criteria provided, single submitter. Criteria: Invitae Variant Classification Sherloc (09022015). Collection method: clinical testing. Allele origin: germline.
Comment: This sequence change replaces glycine, which is neutral and non-polar, with arginine, which is basic and polar, at codon 25 of the CARS2 protein (p.Gly25Arg). This variant is not present in population databases (gnomAD no frequency). This variant has not been reported in the literature in individuals affected with CARS2-related conditions. ClinVar contains an entry for this variant (Variation ID: 1010736). Experimental studies and prediction algorithms are not available or were not evaluated, and the functional significance of this variant is currently unknown. In summary, the available evidence is currently insufficient to determine the role of this variant in disease. Therefore, it has been classified as a Variant of Uncertain Significance.

NM_024537.4(CARS2):c.73G>A (p.Gly25Arg)

Genes: CARS2 (cysteinyl-tRNA synthetase 2, mitochondrial; minus strand), LOC130010127 (ATAC-STARR-seq lymphoblastoid silent region 5509; plus strand). Cytogenetic location: 13q34.
Variant type: single nucleotide variant.
Coding change: c.73G>A on transcript NM_024537.4 (MANE Select); coding-DNA position 73, G replaced by A.
Protein change: p.Gly25Arg; replaces glycine 25 with arginine.
Molecular consequence: missense variant. On other transcripts: non-coding transcript variant (1), intron variant (1).
Genome position (GRCh38, 1-based): chr13:110,706,021, C>T on the plus strand (G>A on the coding strand, the complement: CARS2 is on the minus strand). VCF-style: chr13-110706021-C-T. GRCh37 (hg19) VCF-style: chr13-111358368-C-T.
Other names: p.Gly25Arg; c.73G>A, p.Gly25Arg (NM_001352253.3); c.-776+350G>A (NM_001352252.2); short protein forms G25R.
Identifiers: ClinVar variation 1010736 (VCV001010736.10), dbSNP rs1390223276, ClinGen allele CA388743378.